The following is an entry in ClinVar:

NM_001458.5(FLNC):c.2978C>T (p.Ala993Val)

Gene: FLNC (filamin C; plus strand). Cytogenetic location: 7q32.1.
Variant type: single nucleotide variant.
Coding change: c.2978C>T on transcript NM_001458.5 (MANE Select); coding-DNA position 2978, C replaced by T.
Protein change: p.Ala993Val; replaces alanine 993 with valine.
Molecular consequence: missense variant.
Genome position (GRCh38, 1-based): chr7:128,844,052, C>T. VCF-style: chr7-128844052-C-T. GRCh37 (hg19) VCF-style: chr7-128484106-C-T.
Other names: c.2978C>T (NM_001458.4); c.2978C>T, p.Ala993Val (NM_001127487.2); short protein forms A993V.
Identifiers: ClinVar variation 1349922 (VCV001349922.9), dbSNP rs2128936160, ClinGen allele CA369193811.
Genomic context (GRCh38, chr7:128,844,052, plus strand): 5'-CCCTCCACGCAGAGGTGGCTGTGGGACAGGAACAAGCATTCTCTGTGAACACACGAGGGG[C>T]TGGCGGTCAGGGCCAACTGGATGTGCGGATGACTTCGCCCTCTCGCCGGCCCATCCCCTG-3'
Protein context (NP_001449.3, residues 983-1003): EQAFSVNTRG[Ala993Val]GGQGQLDVRM

ClinVar aggregate classification (germline): Uncertain significance. Review status: criteria provided, multiple submitters, no conflicts (2 of 4 stars). 2 submissions from 2 submitters: Uncertain significance (2). Last evaluated 2024-06-23.

Conditions:
Cardiovascular phenotype. Identifiers: MedGen CN230736.
Myofibrillar myopathy 5. Also called: Filaminopathy (type); FILAMINOPATHY, AUTOSOMAL DOMINANT. Identifiers: Orphanet 171445, MedGen C1836050, MONDO:0012289, OMIM 609524.
Distal myopathy with posterior leg and anterior hand involvement. Also called: WILLIAMS DISTAL MYOPATHY. Identifiers: Orphanet 63273, MedGen C3279722, MONDO:0013550, OMIM 614065.
Hypertrophic cardiomyopathy 26. Also called: Cardiomyopathy, familial hypertrophic, 26. Identifiers: Orphanet 75249, MedGen C4310749, MONDO:0014883, OMIM 617047.

Submissions (2):

Ambry Genetics
Classification: Uncertain significance for Cardiovascular phenotype. Last evaluated: 2024-06-23. Review status: criteria provided, single submitter. Criteria: Ambry Variant Classification Scheme 2023. Collection method: clinical testing. Allele origin: germline.
Comment: The p.A993V variant (also known as c.2978C>T), located in coding exon 20 of the FLNC gene, results from a C to T substitution at nucleotide position 2978. The alanine at codon 993 is replaced by valine, an amino acid with similar properties. This amino acid position is conserved. In addition, this alteration is predicted to be deleterious by in silico analysis. Based on the available evidence, the clinical significance of this variant remains unclear.

Labcorp Genetics (formerly Invitae), Labcorp
Classification: Uncertain significance for Distal myopathy with posterior leg and anterior hand involvement; Myofibrillar myopathy 5; Hypertrophic cardiomyopathy 26. Last evaluated: 2023-12-26. Review status: criteria provided, single submitter. Criteria: Invitae Variant Classification Sherloc (09022015). Collection method: clinical testing. Allele origin: germline.
Comment: This sequence change replaces alanine, which is neutral and non-polar, with valine, which is neutral and non-polar, at codon 993 of the FLNC protein (p.Ala993Val). This variant is not present in population databases (gnomAD no frequency). This variant has not been reported in the literature in individuals affected with FLNC-related conditions. ClinVar contains an entry for this variant (Variation ID: 1349922). Advanced modeling of protein sequence and biophysical properties (such as structural, functional, and spatial information, amino acid conservation, physicochemical variation, residue mobility, and thermodynamic stability) has been performed at Invitae for this missense variant, however the output from this modeling did not meet the statistical confidence thresholds required to predict the impact of this variant on FLNC protein function. In summary, the available evidence is currently insufficient to determine the role of this variant in disease. Therefore, it has been classified as a Variant of Uncertain Significance.